The following is an entry in ClinVar:

ClinVar aggregate classification (germline): Uncertain significance (1 of 4 stars; one submission).

Submission:

Labcorp Genetics (formerly Invitae), Labcorp
Classification: Uncertain significance. Last evaluated: 2021-07-25. Review status: criteria provided, single submitter. Criteria: Invitae Variant Classification Sherloc (09022015). Collection method: clinical testing. Allele origin: germline.
Comment: In summary, the available evidence is currently insufficient to determine the role of this variant in disease. Therefore, it has been classified as a Variant of Uncertain Significance. Experimental studies and prediction algorithms are not available or were not evaluated, and the functional significance of this variant is currently unknown. This variant has not been reported in the literature in individuals affected with IL21-related conditions. This variant results in a copy number gain of the genomic region encompassing exon(s) 4-5 of the IL21 gene. The 5' boundary is likely confined to intron 3. The 3' end of this event is unknown as it extends beyond the assayed region for this gene and therefore may encompass additional genes. As the precise location of this event is unknown, it may be in tandem or it may be located elsewhere in the genome.

NC_000004.11:g.(?_123533865)_(123534103_?)dup

Gene: IL21 (interleukin 21; minus strand). Cytogenetic location: 4q27.
Variant type: Duplication.
Identifiers: ClinVar variation 1450062 (VCV001450062.4).